The following is an entry in ClinVar:

NM_002432.3(MNDA):c.967G>A (p.Gly323Arg)

Gene: MNDA (myeloid cell nuclear differentiation antigen; plus strand). Cytogenetic location: 1q23.1.
Variant type: single nucleotide variant.
Coding change: c.967G>A on transcript NM_002432.3 (MANE Select); coding-DNA position 967, G replaced by A.
Protein change: p.Gly323Arg; replaces glycine 323 with arginine.
Molecular consequence: missense variant.
Genome position (GRCh38, 1-based): chr1:158,845,983, G>A. VCF-style: chr1-158845983-G-A. GRCh37 (hg19) VCF-style: chr1-158815773-G-A.
Other names: short protein forms G323R.
Identifiers: ClinVar variation 1767770 (VCV001767770.3), dbSNP rs1344046129, ClinGen allele CA343042542.
Genomic context (GRCh38, chr1:158,845,983, plus strand): 5'-GCAAATAAAACTCCCAAGATCAGTCAACTTTACAAGCAAGCATCTGGAACAATGGTGTAT[G>A]GGTTGTTTATGTTACAAAAGGTAAACCCTTAATTTTGTTTTAATTTTCTCTACCATTACC-3'
Protein context (NP_002423.1, residues 313-333): YKQASGTMVY[Gly323Arg]LFMLQKKSVH

ClinVar aggregate classification (germline): Uncertain significance (1 of 4 stars; one submission).

Allele frequency attached by ClinVar (database versions not stated): TOPMed below 0.00001; gnomAD 0.00001.
gnomAD v4.1: 5 of 1,606,606 alleles (0.00031%); highest among the groups gnomAD compares: East Asian, 0.0022%; no homozygotes.

Submission:

Ambry Genetics
Classification: Uncertain significance. Last evaluated: 2024-03-29. Review status: criteria provided, single submitter. Criteria: Ambry Variant Classification Scheme 2023. Collection method: clinical testing. Allele origin: germline.
Comment: The p.G323R variant (also known as c.967G>A), located in coding exon 4 of the MNDA gene, results from a G to A substitution at nucleotide position 967. The glycine at codon 323 is replaced by arginine, an amino acid with dissimilar properties. This amino acid position is conserved. In addition, this alteration is predicted to be deleterious by in silico analysis. Since supporting evidence is limited at this time, the clinical significance of this alteration remains unclear.